The following is an entry in ClinVar:

ClinVar aggregate classification (germline): Pathogenic. Review status: criteria provided, multiple submitters, no conflicts (2 of 4 stars). 3 submissions from 3 submitters: Pathogenic (3). Last evaluated 2023-08-17.

Conditions:
Hydrocephalus, nonsyndromic, autosomal recessive 2. Also called: Hydrocephalus, congenital, 2, with or without brain or eye anomalies. Identifiers: Orphanet 2185, MedGen C3554691, MONDO:0014085, OMIM 615219.

Allele frequency attached by ClinVar (database versions not stated): TOPMed below 0.00001; gnomAD 0.00001; gnomAD exomes 0.00001 and 0.00002; ExAC 0.00004; 1000 Genomes Project 30x 0.00016; 1000 Genomes Project 0.00020.
gnomAD v4.1: 22 of 1,612,130 alleles (0.0014%); highest among the groups gnomAD compares: Admixed American, 0.005%; no homozygotes.

Submissions (3):

Labcorp Genetics (formerly Invitae), Labcorp
Classification: Pathogenic. Last evaluated: 2023-08-17. Review status: criteria provided, single submitter. Criteria: Invitae Variant Classification Sherloc (09022015). Collection method: clinical testing. Allele origin: germline.
Comment: This sequence change creates a premature translational stop signal (p.Arg579*) in the MPDZ gene. It is expected to result in an absent or disrupted protein product. Loss-of-function variants in MPDZ are known to be pathogenic (PMID: 23240096, 28556411). This variant is present in population databases (rs571799365, gnomAD 0.003%). This variant has not been reported in the literature in individuals affected with MPDZ-related conditions. ClinVar contains an entry for this variant (Variation ID: 1204727). For these reasons, this variant has been classified as Pathogenic.

Dasa
Classification: Pathogenic for Hydrocephalus, nonsyndromic, autosomal recessive 2. Last evaluated: 2022-04-10. Review status: criteria provided, single submitter. Criteria: ACMG Guidelines, 2015. Collection method: clinical testing. Allele origin: germline. Affected: yes. Observed: 1 variant allele.
Comment: The c.1735C>T;p.(Arg579*) variant creates a premature translational stop signal in the MPDZ gene. It is expected to result in an absent or disrupted protein product -PVS1. This sequence change has been observed in affected individual(s) and ClinVar contains an entry for this variant (ClinVar ID: 1204727) - PS4_supporting. The variant is present at low allele frequencies population databases (rs571799365 – gnomAD 0.0001316%; ABraOM no frequency) - PM2_supporting. In summary, the currently available evidence indicates that the variant is pathogenic.

GeneDx
Classification: Pathogenic. Last evaluated: 2022-01-14. Review status: criteria provided, single submitter. Criteria: GeneDx Variant Classification Process June 2021. Collection method: clinical testing. Allele origin: germline. Affected: yes.
Comment: Nonsense variant predicted to result in protein truncation or nonsense mediated decay in a gene for which loss-of-function is a known mechanism of disease; Not observed at a significant frequency in large population cohorts (gnomAD); Has not been previously published as pathogenic or benign to our knowledge

Literature cited by the submitters: PubMed 23240096 (cited by Labcorp Genetics (formerly Invitae), Labcorp); PubMed 28556411 (cited by Labcorp Genetics (formerly Invitae), Labcorp).

NM_001378778.1(MPDZ):c.1735C>T (p.Arg579Ter)

Gene: MPDZ (multiple PDZ domain crumbs cell polarity complex component; minus strand). Cytogenetic location: 9p23.
Variant type: single nucleotide variant.
Coding change: c.1735C>T on transcript NM_001378778.1 (MANE Select); coding-DNA position 1735, C replaced by T.
Protein change: p.Arg579Ter; replaces arginine 579 with a stop codon.
Molecular consequence: nonsense.
Genome position (GRCh38, 1-based): chr9:13,193,235, G>A on the plus strand (C>T on the coding strand, the complement: MPDZ is on the minus strand). VCF-style: chr9-13193235-G-A. GRCh37 (hg19) VCF-style: chr9-13193234-G-A.
Other names: c.1735C>T, p.Arg579Ter (NM_001261406.2, NM_001261407.2, NM_001330637.2 and 14 more transcripts); short protein forms R579*.
Identifiers: ClinVar variation 1204727 (VCV001204727.13), dbSNP rs571799365, ClinGen allele CA4987689.